The following is an entry in ClinVar:

NM_001139.3(ALOX12B):c.42C>T (p.Leu14=)

Gene: ALOX12B (arachidonate 12-lipoxygenase, 12R type; minus strand). Cytogenetic location: 17p13.1.
Variant type: single nucleotide variant.
Coding change: c.42C>T on transcript NM_001139.3 (MANE Select); coding-DNA position 42, C replaced by T.
Protein change: p.Leu14=; no amino-acid change (leucine 14 retained).
Molecular consequence: synonymous variant.
Genome position (GRCh38, 1-based): chr17:8,087,401, G>A on the plus strand (C>T on the coding strand, the complement: ALOX12B is on the minus strand). VCF-style: chr17-8087401-G-A. GRCh37 (hg19) VCF-style: chr17-7990719-G-A.
Other names: c.42C>T, p.Leu14= (LRG_1264t1).
Identifiers: ClinVar variation 325930 (VCV000325930.13), dbSNP rs3027308, ClinGen allele CA8367818.
Genomic context (GRCh38, chr17:8,087,401, plus strand): 5'-ATGGCTCTCTCCTTGTGTCCCCACAATGGTCAGTGAGATGGAGTCCCGTGTTCCCGACAA[G>A]AGGTCGGTGCCTGTGGCCACCCTGACTTTGTAGGTGGCCATGGCTGCTCTTCAGGAGGCA-3'
Protein context (NP_001130.1, residues 4-24): YKVRVATGTD[Leu14=]LSGTRDSISL

ClinVar aggregate classification (germline): Benign. Review status: criteria provided, multiple submitters, no conflicts (2 of 4 stars). 3 submissions from 3 submitters: Benign (3). Last evaluated 2026-02-04.

Conditions:
Autosomal recessive congenital ichthyosis 2 (ARCI2). Identifiers: Orphanet 281122, Orphanet 79394, MedGen C3888093, MONDO:0009439, OMIM 242100.

Allele frequency attached by ClinVar (database versions not stated): gnomAD exomes 0.01062; ExAC 0.01210; gnomAD 0.03664 and 0.03900; 1000 Genomes Project 0.04093; ESP Exome Variant Server 0.04229; TOPMed 0.04301; 1000 Genomes Project 30x 0.04513.
gnomAD v4.1: 12,670 of 1,614,224 alleles (0.78%); highest among the groups gnomAD compares: African/African-American, 12%; 623 homozygotes.

Submissions (3):

Labcorp Genetics (formerly Invitae), Labcorp
Classification: Benign. Last evaluated: 2026-02-04. Review status: criteria provided, single submitter. Criteria: Invitae Variant Classification Sherloc (09022015). Collection method: clinical testing. Allele origin: germline.

Illumina Laboratory Services, Illumina
Classification: Benign for Autosomal recessive congenital ichthyosis 2. Last evaluated: 2018-01-12. Review status: criteria provided, single submitter. Criteria: ICSL Variant Classification Criteria 13 December 2019. Collection method: clinical testing. Allele origin: germline.
Comment: This variant was observed in the ICSL laboratory as part of a predisposition screen in an ostensibly healthy population. It had not been previously curated by ICSL or reported in the Human Gene Mutation Database (HGMD: prior to June 1st, 2018), and was therefore a candidate for classification through an automated scoring system. Utilizing variant allele frequency, disease prevalence and penetrance estimates, and inheritance mode, an automated score was calculated to assess if this variant is too frequent to cause the disease. Based on the score and internal cut-off values, a variant classified as benign is not then subjected to further curation. The score for this variant resulted in a classification of benign for this disease.

Breakthrough Genomics
Classification: Benign. Review status: criteria provided, single submitter. Criteria: ACMG Guidelines, 2015. Collection method: not provided. Allele origin: germline. Inheritance: Autosomal recessive inheritance. Affected: yes.